The following is an entry in ClinVar:

ClinVar aggregate classification (germline): Uncertain significance (1 of 4 stars; one submission).

Conditions:
Purine-nucleoside phosphorylase deficiency. Also called: Immunodeficiency due to purine nucleoside phosphorylase deficiency; NUCLEOSIDE PHOSPHORYLASE DEFICIENCY. Identifiers: Orphanet 760, MedGen C0268125, MONDO:0013171, OMIM 613179.

Allele frequency attached by ClinVar (database versions not stated): TOPMed below 0.00001.

Submission:

Institute of Medical Genetics and Genomics, Sir Ganga Ram Hospital
Classification: Uncertain significance for Purine-nucleoside phosphorylase deficiency. Last evaluated: 2023-06-24. Review status: criteria provided, single submitter. Criteria: ACMG Guidelines, 2015. Collection method: clinical testing. Allele origin: inherited. Inheritance: Autosomal recessive inheritance. Affected: yes. Observed: 1 homozygote.
Comment: This has been found 0.0004% in gnomAD (aggregated) database (PM2_moderate). In-silico prediction tools predict a deleterious effect of this variant (PP3_moderate).

NM_000270.4(PNP):c.728A>G (p.Asn243Ser)

Gene: PNP (purine nucleoside phosphorylase; plus strand). Cytogenetic location: 14q11.2.
Variant type: single nucleotide variant.
Coding change: c.728A>G on transcript NM_000270.4 (MANE Select); coding-DNA position 728, A replaced by G.
Protein change: p.Asn243Ser; replaces asparagine 243 with serine.
Molecular consequence: missense variant.
Genome position (GRCh38, 1-based): chr14:20,476,459, A>G. VCF-style: chr14-20476459-A-G. GRCh37 (hg19) VCF-style: chr14-20944618-A-G.
Other names: short protein forms N243S.
Identifiers: ClinVar variation 2506956 (VCV002506956.2), dbSNP rs1414558234, ClinGen allele CA389146023.